The following is an entry in ClinVar:

ClinVar aggregate classification (germline): Benign. Review status: criteria provided, single submitter (1 of 4 stars). 2 submissions from 2 submitters: Benign (1). 1 of the submissions does not count toward it. Last evaluated 2023-09-01.

Conditions:
BIRC6-related disorder. Also called: BIRC6-related condition.

Allele frequency attached by ClinVar (database versions not stated): 1000 Genomes Project 30x 0.00031; 1000 Genomes Project 0.00040; gnomAD 0.00075; TOPMed 0.00078; ExAC 0.00106; ESP Exome Variant Server 0.00108.
gnomAD v4.1: 1,286 of 1,613,988 alleles (0.08%); highest among the groups gnomAD compares: Middle Eastern, 0.49%; 6 homozygotes.

Submissions (2):

CeGaT Center for Human Genetics Tuebingen
Classification: Benign. Last evaluated: 2023-09-01. Review status: criteria provided, single submitter. Criteria: CeGaT Center For Human Genetics Tuebingen Variant Classification Criteria Version 2. Collection method: clinical testing. Allele origin: germline. Affected: yes. Observed: 1 variant allele.
Comment: BIRC6: BP4, BS1, BS2

PreventionGenetics, part of Exact Sciences
Classification: Likely benign for BIRC6-related condition. Last evaluated: 2019-03-14. Review status: no assertion criteria provided. Collection method: clinical testing. Allele origin: germline. Not counted in ClinVar's aggregate classification.
Comment: This variant is classified as likely benign based on ACMG/AMP sequence variant interpretation guidelines (Richards et al. 2015 PMID: 25741868, with internal and published modifications).

NM_016252.4(BIRC6):c.14498G>A (p.Gly4833Asp)

Gene: BIRC6 (baculoviral IAP repeat containing 6; plus strand). Cytogenetic location: 2p22.3.
Variant type: single nucleotide variant.
Coding change: c.14498G>A on transcript NM_016252.4 (MANE Select); coding-DNA position 14498, G replaced by A.
Protein change: p.Gly4833Asp; replaces glycine 4833 with aspartic acid.
Molecular consequence: missense variant.
Genome position (GRCh38, 1-based): chr2:32,617,828, G>A. VCF-style: chr2-32617828-G-A. GRCh37 (hg19) VCF-style: chr2-32842895-G-A.
Other names: c.14498G>A (NM_016252.3); c.14495G>A, p.Gly4832Asp (NM_001378125.1); short protein forms G4832D, G4833D.
Identifiers: ClinVar variation 2650818 (VCV002650818.25), dbSNP rs151018053, ClinGen allele CA1605790.
Genomic context (GRCh38, chr2:32,617,828, plus strand): 5'-GCCCTGAAGGCTTGGATCCTGACACTGACGATGCCCCAGAGGTGTGCAGAGCCACAACAG[G>A]TGCTGAGGAGACTCTAATGCATGATCAGGTTAAACCCAGCAGCAGCAAAGAACTCCCCAG-3'
Protein context (NP_057336.3, residues 4823-4843): DAPEVCRATT[Gly4833Asp]AEETLMHDQV